The following is an entry in ClinVar:

ClinVar aggregate classification (germline): Uncertain significance (1 of 4 stars; one submission).

Allele frequency attached by ClinVar (database versions not stated): ExAC 0.00001; gnomAD 0.00001; gnomAD exomes 0.00001.

Submission:

Labcorp Genetics (formerly Invitae), Labcorp
Classification: Uncertain significance. Last evaluated: 2022-06-14. Review status: criteria provided, single submitter. Criteria: Invitae Variant Classification Sherloc (09022015). Collection method: clinical testing. Allele origin: germline.
Comment: In summary, the available evidence is currently insufficient to determine the role of this variant in disease. Therefore, it has been classified as a Variant of Uncertain Significance. This variant has not been reported in the literature in individuals affected with NOG-related conditions. This variant is present in population databases (rs770373876, gnomAD 0.004%). This sequence change affects codon 176 of the NOG mRNA. It is a 'silent' change, meaning that it does not change the encoded amino acid sequence of the NOG protein.

NM_005450.6(NOG):c.528C>T (p.Gly176=)

Gene: NOG (noggin; plus strand). Cytogenetic location: 17q22.
Variant type: single nucleotide variant.
Coding change: c.528C>T on transcript NM_005450.6 (MANE Select); coding-DNA position 528, C replaced by T.
Protein change: p.Gly176=; no amino-acid change (glycine 176 retained).
Molecular consequence: synonymous variant.
Genome position (GRCh38, 1-based): chr17:56,594,751, C>T. VCF-style: chr17-56594751-C-T. GRCh37 (hg19) VCF-style: chr17-54672112-C-T.
Identifiers: ClinVar variation 2006555 (VCV002006555.4), dbSNP rs770373876, ClinGen allele CA8663214.